The following is an entry in ClinVar:

ClinVar aggregate classification (germline): Uncertain significance. Review status: criteria provided, multiple submitters, no conflicts (2 of 4 stars). 2 submissions from 2 submitters: Uncertain significance (2). Last evaluated 2025-08-21.

Conditions:
Ehlers-Danlos syndrome, classic type, 1 (EDSCL1). Also called: EHLERS-DANLOS SYNDROME, GRAVIS TYPE; EHLERS-DANLOS SYNDROME, SEVERE CLASSIC TYPE; Ehlers-Danlos Syndrome, Classic Type, COL5A1-Related; EDS I; Ehlers-Danlos syndrome, type 1. Identifiers: MedGen C0268335, MONDO:0019567, OMIM 130000.

Allele frequency attached by ClinVar (database versions not stated): TOPMed 0.00001; gnomAD exomes below 0.00001.
gnomAD v4.1: 3 of 1,613,482 alleles (0.00019%); highest among the groups gnomAD compares: Admixed American, 0.0017%; no homozygotes.

Submissions (2):

Labcorp Genetics (formerly Invitae), Labcorp
Classification: Uncertain significance for Ehlers-Danlos syndrome, classic type, 1. Last evaluated: 2025-08-21. Review status: criteria provided, single submitter. Criteria: Invitae Variant Classification Sherloc (09022015). Collection method: clinical testing. Allele origin: germline.
Comment: This sequence change replaces glycine, which is neutral and non-polar, with alanine, which is neutral and non-polar, at codon 1348 of the COL5A1 protein (p.Gly1348Ala). This variant is not present in population databases (gnomAD no frequency). This variant has not been reported in the literature in individuals affected with COL5A1-related conditions. ClinVar contains an entry for this variant (Variation ID: 409100). Invitae Evidence Modeling of protein sequence and biophysical properties (such as structural, functional, and spatial information, amino acid conservation, physicochemical variation, residue mobility, and thermodynamic stability) indicates that this missense variant is expected to disrupt COL5A1 protein function with a positive predictive value of 95%. This variant disrupts the triple helix domain of COL5A1. Glycine residues within the Gly-Xaa-Yaa repeats of the triple helix domain are required for the structure and stability of fibrillar collagens (PMID: 7695699, 8218237, 19344236), and variants at these glycine residues in COL5A1 are more frequently observed in individuals with disease than in the general population (PMID: 22696272, 23587214). However, the clinical significance of this observation remains uncertain since only a limited number of affected individuals have been described to date. In summary, the available evidence is currently insufficient to determine the role of this variant in disease. Therefore, it has been classified as a Variant of Uncertain Significance.

Clinical Genetics Laboratory, Skane University Hospital Lund
Classification: Uncertain significance. Last evaluated: 2022-05-27. Review status: criteria provided, single submitter. Criteria: ACMG Guidelines, 2015. Collection method: clinical testing. Allele origin: germline. Affected: yes.

Literature cited by the submitters: PubMed 7695699 (cited by Labcorp Genetics (formerly Invitae), Labcorp); PubMed 8218237 (cited by Labcorp Genetics (formerly Invitae), Labcorp); PubMed 19344236 (cited by Labcorp Genetics (formerly Invitae), Labcorp); PubMed 22696272 (cited by Labcorp Genetics (formerly Invitae), Labcorp); PubMed 23587214 (cited by Labcorp Genetics (formerly Invitae), Labcorp).

NM_000093.5(COL5A1):c.4043G>C (p.Gly1348Ala)

Gene: COL5A1 (collagen type V alpha 1 chain; plus strand). Cytogenetic location: 9q34.3.
Variant type: single nucleotide variant.
Coding change: c.4043G>C on transcript NM_000093.5 (MANE Select); coding-DNA position 4043, G replaced by C.
Protein change: p.Gly1348Ala; replaces glycine 1348 with alanine.
Molecular consequence: missense variant.
Genome position (GRCh38, 1-based): chr9:134,815,604, G>C. VCF-style: chr9-134815604-G-C. GRCh37 (hg19) VCF-style: chr9-137707450-G-C.
Other names: c.4043G>C, p.Gly1348Ala (NM_001278074.1); short protein forms G1348A.
Identifiers: ClinVar variation 409100 (VCV000409100.11), dbSNP rs1060502252, ClinGen allele CA16612678.